The following is an entry in ClinVar:

NM_001365276.2(TNXB):c.2337T>G (p.Tyr779Ter)

Gene: TNXB (tenascin XB; minus strand). Cytogenetic location: 6p21.33.
Variant type: single nucleotide variant.
Coding change: c.2337T>G on transcript NM_001365276.2 (MANE Select); coding-DNA position 2337, T replaced by G.
Protein change: p.Tyr779Ter; replaces tyrosine 779 with a stop codon.
Molecular consequence: nonsense.
Genome position (GRCh38, 1-based): chr6:32,095,097, A>C on the plus strand (T>G on the coding strand, the complement: TNXB is on the minus strand). VCF-style: chr6-32095097-A-C. GRCh37 (hg19) VCF-style: chr6-32062874-A-C.
Other names: c.2337T>G, p.Tyr779Ter (NM_001428335.1, NM_019105.8); short protein forms Y779*.
Identifiers: ClinVar variation 5014721 (VCV005014721.1).
Genomic context (GRCh38, chr6:32,095,097, plus strand): 5'-CCCACTCAGTCCCCTCCTGGAGCCTGGCATCTCTCTCACCGTGGGGATGAACTGAATTTC[A>C]TAGGCATCCACGGGGCCAGGAGCCGGGGTCCACTCTGTCCGAACTGTTGTCTCCTCCAAG-3'

ClinVar aggregate classification (germline): Pathogenic (1 of 4 stars; one submission).

Conditions:
Ehlers-Danlos syndrome due to tenascin-X deficiency (EDSCLL1). Also called: EDS DUE TO TNX DEFICIENCY; TNX DEFICIENCY; Ehlers-Danlos syndrome, classic-like, 1; EHLERS-DANLOS SYNDROME, CLASSIC-LIKE; TNXB-Related Classical-Like Ehlers-Danlos Syndrome. Identifiers: Orphanet 230839, MedGen C1848029, MONDO:0011670, OMIM 606408.

Submission:

Myriad Genetics, Inc.
Classification: Pathogenic for Ehlers-Danlos syndrome due to tenascin-X deficiency. Last evaluated: 2025-07-14. Review status: criteria provided, single submitter. Criteria: Myriad Autosomal Dominant, Autosomal Recessive and X-Linked Classification Criteria (2023). Collection method: clinical testing. Allele origin: unknown.
Comment: NM_019105.6(TNXB):c.2337T>G(Y779*) is expected to be pathogenic in the context of classical-like Ehlers-Danlos syndrome, TNXB-related. This variant is predicted to lead to an abnormal or absent protein product due to the creation of a premature termination codon in TNXB, a gene where loss-of-function variants are known to be pathogenic. Please note: this variant was assessed in the context of healthy population screening.